The following is an entry in ClinVar:

ClinVar aggregate classification (germline): Conflicting classifications of pathogenicity. Review status: criteria provided, conflicting classifications (1 of 4 stars). 4 submissions from 4 submitters: Uncertain significance (2); Likely benign (1). 1 of the submissions does not count toward it. Last evaluated 2022-09-22.

Conditions:
SHOX-related disorder. Also called: SHOX-related condition.

Allele frequency attached by ClinVar (database versions not stated): gnomAD 0.00010 and 0.00012; ExAC 0.00016; TOPMed 0.00029; 1000 Genomes Project 30x 0.00042.
gnomAD v4.1: 191 of 1,522,312 alleles (0.013%); highest among the groups gnomAD compares: East Asian, 0.46%; 1 homozygote.

Submissions (4):

Women's Health and Genetics/Laboratory Corporation of America, LabCorp
Classification: Likely benign. Last evaluated: 2022-09-22. Review status: criteria provided, single submitter. Criteria: LabCorp Variant Classification Summary - May 2015. Collection method: clinical testing. Allele origin: germline.

Mendelics
Classification: Uncertain significance. Last evaluated: 2022-05-04. Review status: criteria provided, single submitter. Criteria: Mendelics Assertion Criteria 2019. Collection method: clinical testing. Allele origin: germline.

Athena Diagnostics
Classification: Uncertain significance. Last evaluated: 2016-09-29. Review status: criteria provided, single submitter. Criteria: Athena Diagnostics Criteria. Collection method: clinical testing. Allele origin: germline.

PreventionGenetics, part of Exact Sciences
Classification: Likely benign for SHOX-related condition. Last evaluated: 2023-12-01. Review status: no assertion criteria provided. Collection method: clinical testing. Allele origin: germline. Not counted in ClinVar's aggregate classification.
Comment: This variant is classified as likely benign based on ACMG/AMP sequence variant interpretation guidelines (Richards et al. 2015 PMID: 25741868, with internal and published modifications).

Literature cited by the submitters: PubMed 26984564 (cited by Athena Diagnostics); PubMed 21262861 (cited by Athena Diagnostics).

NM_000451.4(SHOX):c.698C>T (p.Ala233Val)

Gene: SHOX (SHOX homeobox; plus strand). Cytogenetic location: Yp11.2.
Variant type: single nucleotide variant.
Coding change: c.698C>T on transcript NM_000451.4 (MANE Select); coding-DNA position 698, C replaced by T.
Protein change: p.Ala233Val; replaces alanine 233 with valine.
Molecular consequence: missense variant. On other transcripts: intron variant (1).
Genome position (GRCh38, 1-based): chrX:644,455, C>T. VCF-style: chrX-644455-C-T. GRCh37 (hg19) VCF-style: chrX-605190-C-T.
Other names: c.633+3368C>T (NM_006883.2); short protein forms A233V.
Identifiers: ClinVar variation 448377 (VCV000448377.5), dbSNP rs750375727, ClinGen allele CA10330103.